The following is an entry in ClinVar:

NC_012920.1(MT-TT):m.15944del

Gene: MT-TT (mitochondrially encoded tRNA threonine; plus strand).
Variant type: Deletion.
Genome position: chrM-15939-CT-C.
Identifiers: ClinVar variation 690251 (VCV000690251.1), dbSNP rs1603225607, ClinGen allele CA913175256.

ClinVar aggregate classification (germline): Benign (1 of 4 stars; one submission).

Conditions:
MELAS syndrome (MELAS). Also called: Juvenile myopathy, encephalopathy, lactic acidosis, stroke. Identifiers: Orphanet 550, MedGen C0162671, MONDO:0010789, OMIM 540000.

Submission:

Wong Mito Lab, Molecular and Human Genetics, Baylor College of Medicine
Classification: Benign for MELAS syndrome. Last evaluated: 2019-07-12. Review status: criteria provided, single submitter. Criteria: Modified ACMG Guidelines (Unpublished). Collection method: clinical testing. Allele origin: germline.
Comment: The NC_012920.1:m.15944delT variant in MT-TT gene is interpreted to be a Benign variant based on the modified ACMG guidelines (unpublished). This variant meets the following evidence codes reported in the guidelines: BS1, BS2, BP4

Literature cited by the submitters: PubMed 31965079.